The following is an entry in ClinVar:

ClinVar aggregate classification (germline): Uncertain significance (1 of 4 stars; one submission).

Allele frequency attached by ClinVar (database versions not stated): gnomAD exomes 0.00001; ExAC 0.00002; gnomAD 0.00002; TOPMed 0.00003; ESP Exome Variant Server 0.00008.
gnomAD v4.1: 29 of 1,612,158 alleles (0.0018%); highest among the groups gnomAD compares: African/African-American, 0.004%; no homozygotes.

Submission:

Labcorp Genetics (formerly Invitae), Labcorp
Classification: Uncertain significance. Last evaluated: 2019-09-11. Review status: criteria provided, single submitter. Criteria: Invitae Variant Classification Sherloc (09022015). Collection method: clinical testing. Allele origin: germline.
Comment: In summary, the available evidence is currently insufficient to determine the role of this variant in disease. Therefore, it has been classified as a Variant of Uncertain Significance. Algorithms developed to predict the effect of missense changes on protein structure and function (SIFT, PolyPhen-2, Align-GVGD) all suggest that this variant is likely to be disruptive, but these predictions have not been confirmed by published functional studies and their clinical significance is uncertain. This variant has not been reported in the literature in individuals with RAB28-related conditions. This variant is present in population databases (rs139134765, ExAC 0.003%). This sequence change replaces serine with glycine at codon 214 of the RAB28 protein (p.Ser214Gly). The serine residue is highly conserved and there is a small physicochemical difference between serine and glycine.

NM_004249.4(RAB28):c.640A>G (p.Ser214Gly)

Gene: RAB28 (RAB28, member RAS oncogene family; minus strand). Cytogenetic location: 4p15.33.
Variant type: single nucleotide variant.
Coding change: c.640A>G on transcript NM_004249.4 (MANE Plus Clinical); coding-DNA position 640, A replaced by G.
Protein change: p.Ser214Gly; replaces serine 214 with glycine.
Molecular consequence: missense variant. On other transcripts: intron variant (2).
Genome position (GRCh38, 1-based): chr4:13,369,899, T>C on the plus strand (A>G on the coding strand, the complement: RAB28 is on the minus strand). VCF-style: chr4-13369899-T-C. GRCh37 (hg19) VCF-style: chr4-13371523-T-C.
Other names: c.574-1249A>G (NM_001017979.3); c.*32-1249A>G (NM_001159601.2); short protein forms S214G.
Identifiers: ClinVar variation 958836 (VCV000958836.9), dbSNP rs139134765, ClinGen allele CA2859981.
Genomic context (GRCh38, chr4:13,369,899, plus strand): 5'-TCCCCAAACTGTAATAATTTATCACTTAATACCTGCACTACTGTACTGAACAGATTCTAC[T>C]CTGAGTAGAGGTGGTATGTTGATTTTCTTCTTCCGGGTACTTCACTATTTCTGCCCTGAC-3'
Protein context (NP_004240.2, residues 204-220): EENQHTTSTQ[Ser214Gly]RICSVQ